The following is an entry in ClinVar:

NM_139319.3(SLC17A8):c.344C>T (p.Pro115Leu)

Gene: SLC17A8 (solute carrier family 17 member 8; plus strand). Cytogenetic location: 12q23.1.
Variant type: single nucleotide variant.
Coding change: c.344C>T on transcript NM_139319.3 (MANE Select); coding-DNA position 344, C replaced by T.
Protein change: p.Pro115Leu; replaces proline 115 with leucine.
Molecular consequence: missense variant.
Genome position (GRCh38, 1-based): chr12:100,380,943, C>T. VCF-style: chr12-100380943-C-T. GRCh37 (hg19) VCF-style: chr12-100774721-C-T.
Other names: c.344C>T, p.Pro115Leu (NM_001145288.2); short protein forms P115L.
Identifiers: ClinVar variation 2490018 (VCV002490018.5), dbSNP rs747565276, ClinGen allele CA6738721.

ClinVar aggregate classification (germline): Uncertain significance. Review status: criteria provided, multiple submitters, no conflicts (2 of 4 stars). 2 submissions from 2 submitters: Uncertain significance (2). Last evaluated 2023-02-27.

Conditions:
Inborn genetic diseases. Identifiers: MedGen C0950123, MeSH D030342.

Allele frequency attached by ClinVar (database versions not stated): gnomAD exomes 0.00001; ExAC 0.00002; TOPMed 0.00003; gnomAD 0.00006.

Submissions (2):

Ambry Genetics
Classification: Uncertain significance for Inborn genetic diseases. Last evaluated: 2023-02-27. Review status: criteria provided, single submitter. Criteria: Ambry Variant Classification Scheme 2023. Collection method: clinical testing. Allele origin: germline.

Labcorp Genetics (formerly Invitae), Labcorp
Classification: Uncertain significance. Last evaluated: 2023-01-13. Review status: criteria provided, single submitter. Criteria: Invitae Variant Classification Sherloc (09022015). Collection method: clinical testing. Allele origin: germline.
Comment: In summary, the available evidence is currently insufficient to determine the role of this variant in disease. Therefore, it has been classified as a Variant of Uncertain Significance. Advanced modeling of protein sequence and biophysical properties (such as structural, functional, and spatial information, amino acid conservation, physicochemical variation, residue mobility, and thermodynamic stability) performed at Invitae indicates that this missense variant is not expected to disrupt SLC17A8 protein function. This variant has not been reported in the literature in individuals affected with SLC17A8-related conditions. This variant is present in population databases (rs747565276, gnomAD 0.01%). This sequence change replaces proline, which is neutral and non-polar, with leucine, which is neutral and non-polar, at codon 115 of the SLC17A8 protein (p.Pro115Leu).